The following is an entry in ClinVar:

ClinVar aggregate classification (germline): Uncertain significance (1 of 4 stars; one submission).

Conditions:
Megalencephaly-polymicrogyria-polydactyly-hydrocephalus syndrome 3 (MPPH3). Identifiers: Orphanet 83473, MedGen C4014742, MONDO:0014408, OMIM 615938.

Submission:

Dasa
Classification: Uncertain significance for Megalencephaly-polymicrogyria-polydactyly-hydrocephalus syndrome 3. Last evaluated: 2025-06-24. Review status: criteria provided, single submitter. Criteria: DASA Assertion Criteria. Collection method: clinical testing. Allele origin: germline.
Comment: NM_001759.4(CCND2):c.196-3T>C is a splice-region variant. This variant is absent from population databases. Computational prediction algorithms are consistent with a benign effect. The currently available literature and clinical evidence are not sufficient to establish a definitive association between this variant and the reported condition. Therefore, this variant is classified as a variant of uncertain significance.

NM_001759.4(CCND2):c.196-3T>C

Genes: CCND2-AS1 (CCND2 antisense RNA 1; minus strand), CCND2 (cyclin D2; plus strand). Cytogenetic location: 12p13.32.
Variant type: single nucleotide variant.
Coding change: c.196-3T>C on transcript NM_001759.4 (MANE Select); 3 bases into the intron before coding-DNA position 196, T replaced by C.
Molecular consequence: intron variant.
Genome position (GRCh38, 1-based): chr12:4,276,002, T>C. VCF-style: chr12-4276002-T-C. GRCh37 (hg19) VCF-style: chr12-4385168-T-C.
Identifiers: ClinVar variation 4882775 (VCV004882775.2).
Genomic context (GRCh38, chr12:4,276,002, plus strand): 5'-TCTCTTTTGCTGATGCTATGCTCTCCACCCCCGCCCCCCAACCCTTTCCCACTCCCATTA[T>C]AGGTCTGTGAGGAACAGAAGTGCGAAGAAGAGGTCTTCCCTCTGGCCATGAATTACCTGG-3'